The following is an entry in ClinVar:

NM_138713.4(NFAT5):c.3145A>G (p.Met1049Val)

Gene: NFAT5 (nuclear factor of activated T cells 5; plus strand). Cytogenetic location: 16q22.1.
Variant type: single nucleotide variant.
Coding change: c.3145A>G on transcript NM_138713.4 (MANE Select); coding-DNA position 3145, A replaced by G.
Protein change: p.Met1049Val; replaces methionine 1049 with valine.
Molecular consequence: missense variant.
Genome position (GRCh38, 1-based): chr16:69,692,970, A>G. VCF-style: chr16-69692970-A-G. GRCh37 (hg19) VCF-style: chr16-69726873-A-G.
Other names: c.3142A>G, p.Met1048Val (NM_001113178.3); c.2470A>G, p.Met824Val (NM_001367709.1); c.3091A>G, p.Met1031Val (NM_006599.4); c.2863A>G, p.Met955Val (NM_138714.4, NM_173214.3, NM_173215.3); short protein forms M1031V, M1048V, M1049V, M824V, M955V.
Identifiers: ClinVar variation 1809672 (VCV001809672.3), dbSNP rs1597572616, ClinGen allele CA396512354.

ClinVar aggregate classification (germline): Uncertain significance. Review status: criteria provided, multiple submitters, no conflicts (2 of 4 stars). 2 submissions from 2 submitters: Uncertain significance (2). Last evaluated 2025-06-11.

Conditions:
Immunodeficiency. Identifiers: MedGen C0021051, MONDO:0021094, HP:0002721.

Submissions (2):

Labcorp Genetics (formerly Invitae), Labcorp
Classification: Uncertain significance for Immunodeficiency. Last evaluated: 2025-06-11. Review status: criteria provided, single submitter. Criteria: Invitae Variant Classification Sherloc (09022015). Collection method: clinical testing. Allele origin: germline.
Comment: This sequence change replaces methionine, which is neutral and non-polar, with valine, which is neutral and non-polar, at codon 955 of the NFAT5 protein (p.Met955Val). This variant is not present in population databases (gnomAD no frequency). This variant has not been reported in the literature in individuals affected with NFAT5-related conditions. ClinVar contains an entry for this variant (Variation ID: 1809672). An algorithm developed to predict the effect of missense changes on protein structure and function (PolyPhen-2) suggests that this variant is likely to be tolerated. Algorithms developed to predict the effect of sequence changes on RNA splicing suggest that this variant may create or strengthen a splice site. In summary, the available evidence is currently insufficient to determine the role of this variant in disease. Therefore, it has been classified as a Variant of Uncertain Significance.

Dubai Health Genomic Medicine Center, Dubai Health
Classification: Uncertain significance. Last evaluated: 2022-12-17. Review status: criteria provided, single submitter. Criteria: ACMG Guidelines, 2015. Collection method: clinical testing. Allele origin: germline. Affected: yes.